The following is an entry in ClinVar:

NM_000350.3(ABCA4):c.3224C>T (p.Ala1075Val)

Gene: ABCA4 (ATP binding cassette subfamily A member 4; minus strand). Cytogenetic location: 1p22.1.
Variant type: single nucleotide variant.
Coding change: c.3224C>T on transcript NM_000350.3 (MANE Select); coding-DNA position 3224, C replaced by T.
Protein change: p.Ala1075Val; replaces alanine 1075 with valine.
Molecular consequence: missense variant.
Genome position (GRCh38, 1-based): chr1:94,042,865, G>A on the plus strand (C>T on the coding strand, the complement: ABCA4 is on the minus strand). VCF-style: chr1-94042865-G-A. GRCh37 (hg19) VCF-style: chr1-94508421-G-A.
Other names: c.3002C>T, p.Ala1001Val (NM_001425324.1); short protein forms A1075V, A1001V.
Identifiers: ClinVar variation 2108803 (VCV002108803.4), dbSNP rs2523771792, ClinGen allele CA341292291.

ClinVar aggregate classification (germline): Likely pathogenic (1 of 4 stars; one submission).

Submission:

Labcorp Genetics (formerly Invitae), Labcorp
Classification: Likely pathogenic. Last evaluated: 2021-12-06. Review status: criteria provided, single submitter. Criteria: Invitae Variant Classification Sherloc (09022015). Collection method: clinical testing. Allele origin: germline.
Comment: This sequence change replaces alanine, which is neutral and non-polar, with valine, which is neutral and non-polar, at codon 1075 of the ABCA4 protein (p.Ala1075Val). This variant is not present in population databases (gnomAD no frequency). This missense change has been observed in individual(s) with Stargardt Disease (Invitae). Advanced modeling of protein sequence and biophysical properties (such as structural, functional, and spatial information, amino acid conservation, physicochemical variation, residue mobility, and thermodynamic stability) performed at Invitae indicates that this missense variant is expected to disrupt ABCA4 protein function. This variant disrupts the p.Ala1075 amino acid residue in ABCA4. Other variant(s) that disrupt this residue have been observed in individuals with ABCA4-related conditions (PMID: 29925512), which suggests that this may be a clinically significant amino acid residue. In summary, the currently available evidence indicates that the variant is pathogenic, but additional data are needed to prove that conclusively. Therefore, this variant has been classified as Likely Pathogenic.

Literature cited by the submitters: PubMed 29925512.